The following is an entry in ClinVar:

ClinVar aggregate classification (germline): Uncertain significance. Review status: criteria provided, multiple submitters, no conflicts (2 of 4 stars). 4 submissions from 4 submitters: Uncertain significance (4). Last evaluated 2026-01-19.

Conditions:
Hereditary breast ovarian cancer syndrome. Also called: BRCA1- and BRCA2-Associated Hereditary Breast and Ovarian Cancer; Hereditary breast and ovarian cancer syndrome; Hereditary breast and ovarian cancer; Hereditary breast and ovarian cancer syndrome (HBOC); Breast and ovarian cancer; Hereditary breast and/or ovarian cancer syndrome. Identifiers: Orphanet 145, MedGen C0677776, MeSH D061325, MONDO:0003582. Disease mechanism: loss of function.
Hereditary cancer-predisposing syndrome. Also called: Neoplastic Syndromes, Hereditary; Tumor predisposition; Hereditary Cancer Syndrome; Hereditary neoplastic syndrome. Identifiers: Orphanet 140162, MedGen C0027672, MeSH D009386, MONDO:0015356.

Allele frequency attached by ClinVar (database versions not stated): gnomAD below 0.00001 and 0.00001; gnomAD exomes below 0.00001 and 0.00001.
gnomAD v4.1: 7 of 1,613,448 alleles (0.00043%); highest among the groups gnomAD compares: South Asian, 0.0066%; no homozygotes.

Submissions (4):

Labcorp Genetics (formerly Invitae), Labcorp
Classification: Uncertain significance for Hereditary breast ovarian cancer syndrome. Last evaluated: 2026-01-19. Review status: criteria provided, single submitter. Criteria: Invitae Variant Classification Sherloc (09022015). Collection method: clinical testing. Allele origin: germline.
Comment: This sequence change replaces leucine, which is neutral and non-polar, with arginine, which is basic and polar, at codon 3038 of the BRCA2 protein (p.Leu3038Arg). This variant is present in population databases (no rsID available, gnomAD 0.007%). This variant has not been reported in the literature in individuals affected with BRCA2-related conditions. ClinVar contains an entry for this variant (Variation ID: 920441). Invitae Evidence Modeling of protein sequence and biophysical properties (such as structural, functional, and spatial information, amino acid conservation, physicochemical variation, residue mobility, and thermodynamic stability) indicates that this missense variant is not expected to disrupt BRCA2 protein function with a negative predictive value of 95%. In summary, the available evidence is currently insufficient to determine the role of this variant in disease. Therefore, it has been classified as a Variant of Uncertain Significance.

Color Diagnostics, LLC DBA Color Health
Classification: Uncertain significance for Hereditary cancer-predisposing syndrome. Last evaluated: 2025-01-14. Review status: criteria provided, single submitter. Criteria: ACMG Guidelines, 2015. Collection method: clinical testing. Allele origin: germline.
Comment: This missense variant replaces leucine with arginine at codon 3038 of the BRCA2 protein. Computational prediction is inconclusive regarding the impact of this variant on protein structure and function. To our knowledge, functional studies have not been reported for this variant. This variant has been reported in an individual affected with breast cancer (PMID: 38537553). This variant has been identified in 2/248950 chromosomes in the general population by the Genome Aggregation Database (gnomAD). The available evidence is insufficient to determine the role of this variant in disease conclusively. Therefore, this variant is classified as a Variant of Uncertain Significance.

Ambry Genetics
Classification: Uncertain significance for Hereditary cancer-predisposing syndrome. Last evaluated: 2023-10-19. Review status: criteria provided, single submitter. Criteria: Ambry Variant Classification Scheme 2023. Collection method: clinical testing. Allele origin: germline.
Comment: The p.L3038R variant (also known as c.9113T>G), located in coding exon 22 of the BRCA2 gene, results from a T to G substitution at nucleotide position 9113. The leucine at codon 3038 is replaced by arginine, an amino acid with dissimilar properties. This amino acid position is well conserved in available vertebrate species. In addition, this alteration is predicted to be deleterious by in silico analysis. Since supporting evidence is limited at this time, the clinical significance of this alteration remains unclear.

GeneDx
Classification: Uncertain significance. Last evaluated: 2023-07-23. Review status: criteria provided, single submitter. Criteria: GeneDx Variant Classification Process June 2021. Collection method: clinical testing. Allele origin: germline. Affected: yes.
Comment: Not observed at significant frequency in large population cohorts (gnomAD); In silico analysis supports that this missense variant does not alter protein structure/function; Has not been previously published as pathogenic or benign to our knowledge; Also known as 9341T>G; This variant is associated with the following publications: (PMID: 29884841, 12228710)

Literature cited by the submitters: PubMed 38537553 (cited by Color Diagnostics, LLC DBA Color Health).

NM_000059.4(BRCA2):c.9113T>G (p.Leu3038Arg)

Gene: BRCA2 (BRCA2 DNA repair associated; plus strand). Cytogenetic location: 13q13.1.
Variant type: single nucleotide variant.
Coding change: c.9113T>G on transcript NM_000059.4 (MANE Select); coding-DNA position 9113, T replaced by G.
Protein change: p.Leu3038Arg; replaces leucine 3038 with arginine.
Molecular consequence: missense variant.
Genome position (GRCh38, 1-based): chr13:32,379,909, T>G. VCF-style: chr13-32379909-T-G. GRCh37 (hg19) VCF-style: chr13-32954046-T-G.
Other names: short protein forms L3038R.
Identifiers: ClinVar variation 920441 (VCV000920441.14), dbSNP rs1219194595, ClinGen allele CA387757747.